The following is an entry in ClinVar:

NM_001166108.2(PALLD):c.2047G>C (p.Asp683His)

Gene: PALLD (palladin, cytoskeletal associated protein; plus strand). Cytogenetic location: 4q32.3.
Variant type: single nucleotide variant.
Coding change: c.2047G>C on transcript NM_001166108.2 (MANE Select); coding-DNA position 2047, G replaced by C.
Protein change: p.Asp683His; replaces aspartic acid 683 with histidine.
Molecular consequence: missense variant. On other transcripts: 5 prime UTR variant (4).
Genome position (GRCh38, 1-based): chr4:168,891,004, G>C. VCF-style: chr4-168891004-G-C. GRCh37 (hg19) VCF-style: chr4-169812155-G-C.
Other names: c.901G>C, p.Asp301His (NM_001166109.2); c.586G>C, p.Asp196His (NM_001166110.2); c.-75G>C (NM_001367567.1, NM_001367568.1, NM_001367569.1 and 1 more transcripts); c.2047G>C, p.Asp683His (NM_016081.4); short protein forms D301H, D196H, D683H.
Identifiers: ClinVar variation 1784996 (VCV001784996.2), dbSNP rs2533587642, ClinGen allele CA358797231.

ClinVar aggregate classification (germline): Uncertain significance (1 of 4 stars; one submission).

Submission:

Ambry Genetics
Classification: Uncertain significance. Last evaluated: 2022-04-24. Review status: criteria provided, single submitter. Criteria: Ambry Variant Classification Scheme 2023. Collection method: clinical testing. Allele origin: germline.
Comment: The p.D683H variant (also known as c.2047G>C), located in coding exon 10 of the PALLD gene, results from a G to C substitution at nucleotide position 2047. The aspartic acid at codon 683 is replaced by histidine, an amino acid with similar properties. This amino acid position is conserved. In addition, this alteration is predicted to be deleterious by in silico analysis. Since supporting evidence is limited at this time, the clinical significance of this alteration remains unclear.